The following is an entry in ClinVar:

NM_002637.4(PHKA1):c.29G>A (p.Arg10Gln)

Gene: PHKA1 (phosphorylase kinase regulatory subunit alpha 1; minus strand). Cytogenetic location: Xq13.1.
Variant type: single nucleotide variant.
Coding change: c.29G>A on transcript NM_002637.4 (MANE Select); coding-DNA position 29, G replaced by A.
Protein change: p.Arg10Gln; replaces arginine 10 with glutamine.
Molecular consequence: missense variant.
Genome position (GRCh38, 1-based): chrX:72,713,852, C>T on the plus strand (G>A on the coding strand, the complement: PHKA1 is on the minus strand). VCF-style: chrX-72713852-C-T. GRCh37 (hg19) VCF-style: chrX-71933700-C-T.
Other names: c.29G>A, p.Arg10Gln (NM_001122670.2, NM_001172436.2); short protein forms R10Q.
Identifiers: ClinVar variation 653798 (VCV000653798.9), dbSNP rs1603278200, ClinGen allele CA413642532.

ClinVar aggregate classification (germline): Uncertain significance (1 of 4 stars; one submission).

Conditions:
Glycogen storage disease IXd (GSD9D). Also called: Muscle Phosphorylase Kinase Deficiency; GSD IXd. Identifiers: Orphanet 715, MedGen C1845151, MONDO:0010362, OMIM 300559.

Submission:

Labcorp Genetics (formerly Invitae), Labcorp
Classification: Uncertain significance for Glycogen storage disease IXd. Last evaluated: 2020-02-29. Review status: criteria provided, single submitter. Criteria: Invitae Variant Classification Sherloc (09022015). Collection method: clinical testing. Allele origin: germline.
Comment: This sequence change replaces arginine with glutamine at codon 10 of the PHKA1 protein (p.Arg10Gln). The arginine residue is moderately conserved and there is a small physicochemical difference between arginine and glutamine. This variant is not present in population databases (ExAC no frequency). This variant has not been reported in the literature in individuals with PHKA1-related conditions. Algorithms developed to predict the effect of missense changes on protein structure and function are either unavailable or do not agree on the potential impact of this missense change (SIFT: "Deleterious"; PolyPhen-2: "Possibly Damaging"; Align-GVGD: "Class C0"). In summary, the available evidence is currently insufficient to determine the role of this variant in disease. Therefore, it has been classified as a Variant of Uncertain Significance.